The following is an entry in ClinVar:

ClinVar aggregate classification (germline): Uncertain significance (1 of 4 stars; one submission).

Submission:

Ambry Genetics
Classification: Uncertain significance. Last evaluated: 2022-05-17. Review status: criteria provided, single submitter. Criteria: Ambry Variant Classification Scheme 2023. Collection method: clinical testing. Allele origin: germline.
Comment: The p.F2260S variant (also known as c.6779T>C), located in coding exon 51 of the PRKDC gene, results from a T to C substitution at nucleotide position 6779. The phenylalanine at codon 2260 is replaced by serine, an amino acid with highly dissimilar properties. This amino acid position is conserved. Since supporting evidence is limited at this time, the clinical significance of this alteration remains unclear.

NM_006904.7(PRKDC):c.6779T>C (p.Phe2260Ser)

Gene: PRKDC (protein kinase, DNA-activated, catalytic subunit; minus strand). Cytogenetic location: 8q11.21.
Variant type: single nucleotide variant.
Coding change: c.6779T>C on transcript NM_006904.7 (MANE Select); coding-DNA position 6779, T replaced by C.
Protein change: p.Phe2260Ser; replaces phenylalanine 2260 with serine.
Molecular consequence: missense variant.
Genome position (GRCh38, 1-based): chr8:47,854,197, A>G on the plus strand (T>C on the coding strand, the complement: PRKDC is on the minus strand). VCF-style: chr8-47854197-A-G. GRCh37 (hg19) VCF-style: chr8-48766758-A-G.
Other names: c.6779T>C, p.Phe2260Ser (NM_001081640.2); short protein forms F2260S.
Identifiers: ClinVar variation 1755374 (VCV001755374.2), dbSNP rs2551869280, ClinGen allele CA371158649.